The following is an entry in ClinVar:

ClinVar aggregate classification (germline): Uncertain significance (1 of 4 stars; one submission).

Allele frequency attached by ClinVar (database versions not stated): ExAC 0.00001; gnomAD 0.00002 and 0.00003; gnomAD exomes 0.00002 and 0.00003; TOPMed 0.00002.

Submission:

Labcorp Genetics (formerly Invitae), Labcorp
Classification: Uncertain significance. Last evaluated: 2021-08-27. Review status: criteria provided, single submitter. Criteria: Invitae Variant Classification Sherloc (09022015). Collection method: clinical testing. Allele origin: germline.
Comment: This sequence change replaces glycine with arginine at codon 1252 of the OBSL1 protein (p.Gly1252Arg). The glycine residue is weakly conserved and there is a moderate physicochemical difference between glycine and arginine. This variant is present in population databases (rs749065866, ExAC 0.002%). This variant has not been reported in the literature in individuals affected with OBSL1-related conditions. Algorithms developed to predict the effect of missense changes on protein structure and function are either unavailable or do not agree on the potential impact of this missense change (SIFT: "Deleterious"; PolyPhen-2: "Benign"; Align-GVGD: "Class C0"). In summary, the available evidence is currently insufficient to determine the role of this variant in disease. Therefore, it has been classified as a Variant of Uncertain Significance.

NM_015311.3(OBSL1):c.3754G>A (p.Gly1252Arg)

Gene: OBSL1 (obscurin like cytoskeletal adaptor 1; minus strand). Cytogenetic location: 2q35.
Variant type: single nucleotide variant.
Coding change: c.3754G>A on transcript NM_015311.3 (MANE Select); coding-DNA position 3754, G replaced by A.
Protein change: p.Gly1252Arg; replaces glycine 1252 with arginine.
Molecular consequence: missense variant.
Genome position (GRCh38, 1-based): chr2:219,557,859, C>T on the plus strand (G>A on the coding strand, the complement: OBSL1 is on the minus strand). VCF-style: chr2-219557859-C-T. GRCh37 (hg19) VCF-style: chr2-220422581-C-T.
Other names: c.3754G>A, p.Gly1252Arg (NM_001173431.2); short protein forms G1252R.
Identifiers: ClinVar variation 1001668 (VCV001001668.6), dbSNP rs749065866, ClinGen allele CA2130763.